The following is an entry in ClinVar:

ClinVar aggregate classification (germline): Benign. Review status: criteria provided, multiple submitters, no conflicts (2 of 4 stars). 3 submissions from 3 submitters: Benign (3). Last evaluated 2026-01-19.

Allele frequency attached by ClinVar (database versions not stated): gnomAD 0.57434 and 0.59512; 1000 Genomes Project 30x 0.46174; gnomAD exomes 0.48099; TOPMed 0.57333; 1000 Genomes Project 0.45308.
gnomAD v4.1: 190,592 of 366,260 alleles (52%); highest among the groups gnomAD compares: African/African-American, 78%; 54,594 homozygotes.

Submissions (3):

Labcorp Genetics (formerly Invitae), Labcorp
Classification: Benign. Last evaluated: 2026-01-19. Review status: criteria provided, single submitter. Criteria: Invitae Variant Classification Sherloc (09022015). Collection method: clinical testing. Allele origin: germline.

GeneDx
Classification: Benign. Last evaluated: 2018-06-18. Review status: criteria provided, single submitter. Criteria: GeneDx Variant Classification Process June 2021. Collection method: clinical testing. Allele origin: germline. Affected: yes.
Comment: This variant is associated with the following publications: (PMID: 12116189)

Breakthrough Genomics
Classification: Benign. Review status: criteria provided, single submitter. Criteria: ACMG Guidelines, 2015. Collection method: not provided. Allele origin: germline. Inheritance: Unknown mechanism. Affected: yes.

NM_001006630.2(CHRM2):c.*295T>A

Genes: CHRM2 (cholinergic receptor muscarinic 2; plus strand), LOC349160 (uncharacterized LOC349160; minus strand). Cytogenetic location: 7q33.
Variant type: single nucleotide variant.
Coding change: c.*295T>A on transcript NM_001006630.2 (MANE Select); 295 bases downstream of the stop codon, T replaced by A.
Molecular consequence: 3 prime UTR variant.
Genome position (GRCh38, 1-based): chr7:137,016,561, T>A. VCF-style: chr7-137016561-T-A. GRCh37 (hg19) VCF-style: chr7-136701308-T-A.
Other names: c.*295T>A (NM_000739.3, NM_001006626.3, NM_001006627.3 and 6 more transcripts).
Identifiers: ClinVar variation 703788 (VCV000703788.10), dbSNP rs8191992, ClinGen allele CA12675989.
Genomic context (GRCh38, chr7:137,016,561, plus strand): 5'-GATCGTGGATTTAAGAAACTATACACTGTTTCTCATAATCTCTTGAAGAAGGGCTTCTGA[T>A]TCTACAATTTTATCAGTCTCTGCACAAGAGGAATAACCTTGTTCCTTTTTTGTTACTTTT-3'